The following is an entry in ClinVar:

NM_020975.6(RET):c.254G>T (p.Trp85Leu)

Gene: RET (ret proto-oncogene; plus strand). Cytogenetic location: 10q11.21.
Variant type: single nucleotide variant.
Coding change: c.254G>T on transcript NM_020975.6 (MANE Select); coding-DNA position 254, G replaced by T.
Protein change: p.Trp85Leu; replaces tryptophan 85 with leucine.
Molecular consequence: missense variant. On other transcripts: intron variant (4).
Genome position (GRCh38, 1-based): chr10:43,100,639, G>T. VCF-style: chr10-43100639-G-T. GRCh37 (hg19) VCF-style: chr10-43596087-G-T.
Other names: c.254G>T, p.Trp85Leu (NM_001406771.1, NM_001406772.1, NM_001406773.1 and 32 more transcripts); c.74-8392G>T (NM_001406784.1); c.74-11460G>T (NM_001406794.1, NM_001406792.1, NM_001406793.1); short protein forms W85L.
Identifiers: ClinVar variation 3788343 (VCV003788343.1).

ClinVar aggregate classification (germline): Uncertain significance (1 of 4 stars; one submission).

Conditions:
Hereditary cancer-predisposing syndrome. Also called: Neoplastic Syndromes, Hereditary; Hereditary Cancer Syndrome; Tumor predisposition; Hereditary neoplastic syndrome. Identifiers: Orphanet 140162, MedGen C0027672, MeSH D009386, MONDO:0015356.

Submission:

Ambry Genetics
Classification: Uncertain significance for Hereditary cancer-predisposing syndrome. Last evaluated: 2025-02-09. Review status: criteria provided, single submitter. Criteria: Ambry Variant Classification Scheme 2023. Collection method: clinical testing. Allele origin: germline.
Comment: The p.W85L variant (also known as c.254G>T), located in coding exon 2 of the RET gene, results from a G to T substitution at nucleotide position 254. The tryptophan at codon 85 is replaced by leucine, an amino acid with similar properties. This amino acid position is conserved. In addition, this alteration is predicted to be deleterious by in silico analysis. Based on the available evidence, the clinical significance of this variant remains unclear.